The following is an entry in ClinVar:

ClinVar aggregate classification (germline): Uncertain significance (1 of 4 stars; one submission).

Submission:

Labcorp Genetics (formerly Invitae), Labcorp
Classification: Uncertain significance. Last evaluated: 2025-04-20. Review status: criteria provided, single submitter. Criteria: Invitae Variant Classification Sherloc (09022015). Collection method: clinical testing. Allele origin: germline.
Comment: This sequence change replaces glycine, which is neutral and non-polar, with glutamic acid, which is acidic and polar, at codon 23 of the DGAT1 protein (p.Gly23Glu). This variant is not present in population databases (gnomAD no frequency). This variant has not been reported in the literature in individuals affected with DGAT1-related conditions. Experimental studies and prediction algorithms are not available or were not evaluated, and the functional significance of this variant is currently unknown. In summary, the available evidence is currently insufficient to determine the role of this variant in disease. Therefore, it has been classified as a Variant of Uncertain Significance.

NM_012079.6(DGAT1):c.68G>A (p.Gly23Glu)

Genes: DGAT1 (diacylglycerol O-acyltransferase 1; minus strand), LOC130001386 (ATAC-STARR-seq lymphoblastoid silent region 19673; plus strand). Cytogenetic location: 8q24.3.
Variant type: single nucleotide variant.
Coding change: c.68G>A on transcript NM_012079.6 (MANE Select); coding-DNA position 68, G replaced by A.
Protein change: p.Gly23Glu; replaces glycine 23 with glutamic acid.
Molecular consequence: missense variant.
Genome position (GRCh38, 1-based): chr8:144,326,569, C>T on the plus strand (G>A on the coding strand, the complement: DGAT1 is on the minus strand). VCF-style: chr8-144326569-C-T. GRCh37 (hg19) VCF-style: chr8-145550232-C-T.
Other names: short protein forms G23E.
Identifiers: ClinVar variation 4806785 (VCV004806785.1).
Genomic context (GRCh38, chr8:144,326,569, plus strand): 5'-GCGGCTCCCACGTCGGGGCCCGCAGCGGCGTCCCGCACCTCCTCTTCCGCCGCCGCAGGC[C>T]CGCCGCCGCCGTGGCTCGAGGGCCGCGACCCTGTCCTCCGGCGCCGGGAGCTGCCGCGGT-3'
Protein context (NP_036211.2, residues 13-33): GSRPSSHGGG[Gly23Glu]PAAAEEEVRD